The following is an entry in ClinVar:

NM_020937.4(FANCM):c.708_714del (p.Asn237fs)

Gene: FANCM (FA complementation group M; plus strand). Cytogenetic location: 14q21.2.
Variant type: Deletion.
Coding change: c.708_714del on transcript NM_020937.4 (MANE Select); coding-DNA positions 708 to 714, 7 bases deleted (AAATCAC; older notation c.708_714delAAATCAC).
Protein change: p.Asn237fs; shifts the reading frame from asparagine 237.
Molecular consequence: frameshift variant. On other transcripts: intron variant (1).
Genome position (GRCh38, 1-based): chr14:45,140,658-45,140,664, AAATCAC deleted; deleting any 7 consecutive bases within chr14:45,140,656-45,140,664 gives the same sequence; the c. name uses the placement nearest the transcript's 3' end. VCF-style (leftmost placement, unchanged base first): chr14-45140655-TACAAATC-T. GRCh37 (hg19) VCF-style: chr14-45609858-TACAAATC-T.
Other names: c.708_714del, p.Asn237fs (NM_001308134.2); c.681+3417_681+3423del (NM_001308133.2); short protein forms N237fs.
Identifiers: ClinVar variation 837775 (VCV000837775.8), dbSNP rs1885850135, ClinGen allele CA916081704.

ClinVar aggregate classification (germline): Pathogenic (1 of 4 stars; one submission).

Conditions:
Fanconi anemia (FA). Also called: Fanconi's anemia. Identifiers: Orphanet 84, MedGen C0015625, MeSH D005199, MONDO:0019391.

Submission:

Labcorp Genetics (formerly Invitae), Labcorp
Classification: Pathogenic for Fanconi anemia. Last evaluated: 2019-12-27. Review status: criteria provided, single submitter. Criteria: Invitae Variant Classification Sherloc (09022015). Collection method: clinical testing. Allele origin: germline.
Comment: This sequence change creates a premature translational stop signal (p.Asn237Leufs*6) in the FANCM gene. It is expected to result in an absent or disrupted protein product. This variant is not present in population databases (ExAC no frequency). This variant has not been reported in the literature in individuals with FANCM-related conditions. Loss-of-function variants in FANCM are known to be pathogenic (PMID: 29895858, 30075111). For these reasons, this variant has been classified as Pathogenic.

Literature cited by the submitters: PubMed 29895858; PubMed 30075111.